The following is an entry in ClinVar:

NM_005633.4(SOS1):c.255G>C (p.Trp85Cys)

Gene: SOS1 (SOS Ras/Rac guanine nucleotide exchange factor 1; minus strand). Cytogenetic location: 2p22.1.
Variant type: single nucleotide variant.
Coding change: c.255G>C on transcript NM_005633.4 (MANE Select); coding-DNA position 255, G replaced by C.
Protein change: p.Trp85Cys; replaces tryptophan 85 with cysteine.
Molecular consequence: missense variant.
Genome position (GRCh38, 1-based): chr2:39,058,763, C>G on the plus strand (G>C on the coding strand, the complement: SOS1 is on the minus strand). VCF-style: chr2-39058763-C-G. GRCh37 (hg19) VCF-style: chr2-39285904-C-G.
Other names: c.234G>C, p.Trp78Cys (NM_001382394.1); c.255G>C, p.Trp85Cys (NM_001382395.1); short protein forms W78C, W85C.
Identifiers: ClinVar variation 2121273 (VCV002121273.4), dbSNP rs2465361618, ClinGen allele CA346373974.

ClinVar aggregate classification (germline): Likely pathogenic (1 of 4 stars; one submission).

Conditions:
RASopathy. Also called: rasopathies; Noonan spectrum disorder. Identifiers: Orphanet 536391, MedGen C5555857, MONDO:0021060.

Submission:

Labcorp Genetics (formerly Invitae), Labcorp
Classification: Likely pathogenic for RASopathy. Last evaluated: 2022-09-27. Review status: criteria provided, single submitter. Criteria: Invitae Variant Classification Sherloc (09022015). Collection method: clinical testing. Allele origin: germline.
Comment: Advanced modeling of protein sequence and biophysical properties (such as structural, functional, and spatial information, amino acid conservation, physicochemical variation, residue mobility, and thermodynamic stability) performed at Invitae indicates that this missense variant is expected to disrupt SOS1 protein function. This variant disrupts the p.Trp85 amino acid residue in SOS1. Other variant(s) that disrupt this residue have been determined to be pathogenic (PMID: 20133692; Invitae). This suggests that this residue is clinically significant, and that variants that disrupt this residue are likely to be disease-causing. This sequence change replaces tryptophan, which is neutral and slightly polar, with cysteine, which is neutral and slightly polar, at codon 85 of the SOS1 protein (p.Trp85Cys). This variant is not present in population databases (gnomAD no frequency). This variant has not been reported in the literature in individuals affected with SOS1-related conditions. In summary, the currently available evidence indicates that the variant is pathogenic, but additional data are needed to prove that conclusively. Therefore, this variant has been classified as Likely Pathogenic.

Literature cited by the submitters: PubMed 20133692.